The following is an entry in ClinVar:

NM_194318.4(B3GLCT):c.1318_1320delinsTTT (p.Leu440Phe)

Gene: B3GLCT (beta 3-glucosyltransferase; plus strand). Cytogenetic location: 13q12.3.
Variant type: Indel.
Coding change: c.1318_1320delinsTTT on transcript NM_194318.4 (MANE Select); coding-DNA positions 1318 to 1320, CTC replaced by TTT.
Protein change: p.Leu440Phe; replaces leucine 440 with phenylalanine.
Molecular consequence: missense variant.
Genome position (GRCh38, 1-based): chr13:31,323,884-31,323,886, CTC replaced by TTT. VCF-style: chr13-31323884-CTC-TTT. GRCh37 (hg19) VCF-style: chr13-31898021-CTC-TTT.
Other names: short protein forms L440F.
Identifiers: ClinVar variation 4687294 (VCV004687294.1).

ClinVar aggregate classification (germline): Uncertain significance (1 of 4 stars; one submission).

Submission:

Women's Health and Genetics/Laboratory Corporation of America, LabCorp
Classification: Uncertain significance. Last evaluated: 2025-10-15. Review status: criteria provided, single submitter. Criteria: LabCorp Variant Classification Summary - May 2015. Collection method: clinical testing. Allele origin: germline.
Comment: Variant summary: B3GLCT c.1318_1320delinsTTT (p.Leu440Phe) results in a non-conservative amino acid change in the encoded protein sequence. Algorithms developed to predict the effect of missense changes on protein structure and function are either unavailable or do not agree on the potential impact of this missense change. The variant was absent in 282884 control chromosomes. The available data on variant occurrences in the general population are insufficient to allow any conclusion about variant significance. To our knowledge, no occurrence of c.1318_1320delinsTTT in individuals affected with B3GLCT-related conditions and no experimental evidence demonstrating its impact on protein function have been reported. No submitters have cited clinical-significance assessments for this variant to ClinVar. Based on the evidence outlined above, the variant was classified as uncertain significance.